The following is an entry in ClinVar:

NM_001042424.3(NSD2):c.2348T>C (p.Met783Thr)

Gene: NSD2 (nuclear receptor binding SET domain protein 2; plus strand). Cytogenetic location: 4p16.3.
Variant type: single nucleotide variant.
Coding change: c.2348T>C on transcript NM_001042424.3 (MANE Select); coding-DNA position 2348, T replaced by C.
Protein change: p.Met783Thr; replaces methionine 783 with threonine.
Molecular consequence: missense variant.
Genome position (GRCh38, 1-based): chr4:1,955,170, T>C. VCF-style: chr4-1955170-T-C. GRCh37 (hg19) VCF-style: chr4-1956897-T-C.
Other names: c.2348T>C, p.Met783Thr (NM_133330.3, NM_133331.3, NM_133335.4); short protein forms M783T.
Identifiers: ClinVar variation 3896631 (VCV003896631.2).

ClinVar aggregate classification (germline): Uncertain significance (1 of 4 stars; one submission).

Submission:

Women's Health and Genetics/Laboratory Corporation of America, LabCorp
Classification: Uncertain significance. Last evaluated: 2025-04-25. Review status: criteria provided, single submitter. Criteria: LabCorp Variant Classification Summary - May 2015. Collection method: clinical testing. Allele origin: germline.
Comment: Variant summary: NSD2 c.2348T>C (p.Met783Thr) results in a non-conservative amino acid change in the encoded protein sequence. Three of five in-silico tools predict a damaging effect of the variant on protein function. The variant was absent in 249518 control chromosomes. The available data on variant occurrences in the general population are insufficient to allow any conclusion about variant significance. To our knowledge, no occurrence of c.2348T>C in individuals affected with Rauch-Steindl Syndrome and no experimental evidence demonstrating its impact on protein function have been reported. No submitters have cited clinical-significance assessments for this variant to ClinVar. Based on the evidence outlined above, the variant was classified as uncertain significance.